The following is an entry in ClinVar:

ClinVar aggregate classification (germline): Uncertain significance (1 of 4 stars; one submission).

Conditions:
Leigh syndrome (NULS). Also called: Leigh's necrotizing encephalopathy; Leigh's disease; Leigh Syndrome (mtDNA deletion); Leigh Disease; Subacute necrotizing encephalopathy; Necrotizing encephalopathy infantile subacute of Leigh. Identifiers: Orphanet 506, MedGen C2931891, MONDO:0009723, OMIM 256000.

Submission:

Wong Mito Lab, Molecular and Human Genetics, Baylor College of Medicine
Classification: Uncertain significance for Leigh syndrome. Last evaluated: 2019-10-17. Review status: criteria provided, single submitter. Criteria: Modified ACMG Guidelines (Unpublished). Collection method: clinical testing. Allele origin: germline.
Comment: The NC_012920.1:m.7347G>A (YP_003024028.1:p.Val482Ile) variant in MTCO1 gene is interpretated to be a Uncertain Significance variant based on the modified ACMG guidelines (unpublished). This variant meets the following evidence codes: PP6, BP4

NC_012920.1(MT-CO1):m.7347G>A

Gene: MT-CO1 (mitochondrially encoded cytochrome c oxidase I; plus strand).
Variant type: single nucleotide variant.
Genome position: chrM-7347-G-A.
Identifiers: ClinVar variation 692734 (VCV000692734.1), dbSNP rs1603220894, ClinGen allele CA414792505.